The following is an entry in ClinVar:

NM_017739.4(POMGNT1):c.879A>C (p.Pro293=)

Genes: POMGNT1 (protein O-linked mannose N-acetylglucosaminyltransferase 1 (beta 1,2-); minus strand), TSPAN1 (tetraspanin 1; plus strand). Cytogenetic location: 1p34.1.
Variant type: single nucleotide variant.
Coding change: c.879A>C on transcript NM_017739.4 (MANE Select); coding-DNA position 879, A replaced by C.
Protein change: p.Pro293=; no amino-acid change (proline 293 retained).
Molecular consequence: synonymous variant.
Genome position (GRCh38, 1-based): chr1:46,194,274, T>G on the plus strand (A>C on the coding strand, the complement: POMGNT1 is on the minus strand). VCF-style: chr1-46194274-T-G. GRCh37 (hg19) VCF-style: chr1-46659946-T-G.
Other names: c.879A>C, p.Pro293= (NM_001243766.2, NM_001410783.1); c.813A>C, p.Pro271= (NM_001290129.3); c.450A>C, p.Pro150= (NM_001290130.2).
Identifiers: ClinVar variation 1448410 (VCV001448410.28), dbSNP rs776248221, ClinGen allele CA833590.
Genomic context (GRCh38, chr1:46,194,274, plus strand): 5'-GGGGCCCCCCTGCTGAGCTGGGAAGGAGTCCAAACCTCACTGTCTTAAGGCCCCACTCAC[T>G]GGGTCAGGGCTGAACTCGATGGGTGTGGGGTCCTTGCAGCTGCATACACTTCCATAGCCC-3'
Protein context (NP_060209.4, residues 283-303): DPTPIEFSPD[Pro293=]LPDNKVLNVP

ClinVar aggregate classification (germline): Conflicting classifications of pathogenicity. Review status: criteria provided, conflicting classifications (1 of 4 stars). 3 submissions from 3 submitters: Uncertain significance (1); Likely benign (1). 1 of the submissions does not count toward it. Last evaluated 2022-09-01.

Conditions:
POMGNT1-related disorder. Also called: POMGNT1-related condition; POMGNT1-related disorders. Identifiers: MedGen CN239299.
Autosomal recessive limb-girdle muscular dystrophy type 2O. Also called: Limb-Girdle Muscular Dystrophy Type 3C; MUSCULAR DYSTROPHY-DYSTROGLYCANOPATHY (LIMB-GIRDLE), TYPE C, 3; MUSCULAR DYSTROPHY-DYSTROGLYCANOPATHY, LIMB-GIRDLE, POMGNT1-RELATED. Identifiers: Orphanet 206564, MedGen C3150417, MONDO:0013161, OMIM 613157.
Muscular dystrophy-dystroglycanopathy (congenital with impaired intellectual development), type B, 3. Also called: Muscular dystrophy-dystroglycanopathy (congenital with intellectual disability), type B3; MUSCULAR DYSTROPHY, CONGENITAL, POMGNT1-RELATED. Identifiers: MedGen C3150412, MONDO:0013155, OMIM 613151.

Allele frequency attached by ClinVar (database versions not stated): gnomAD 0.00001; gnomAD exomes 0.00002; ExAC 0.00002.
gnomAD v4.1: 29 of 1,614,060 alleles (0.0018%); highest among the groups gnomAD compares: South Asian, 0.027%; no homozygotes.

Submissions (3):

CeGaT Center for Human Genetics Tuebingen
Classification: Likely benign. Last evaluated: 2022-09-01. Review status: criteria provided, single submitter. Criteria: CeGaT Center For Human Genetics Tuebingen Variant Classification Criteria Version 2. Collection method: clinical testing. Allele origin: germline. Affected: yes. Observed: 1 variant allele.
Comment: POMGNT1: BP4, BP7

Labcorp Genetics (formerly Invitae), Labcorp
Classification: Uncertain significance for Autosomal recessive limb-girdle muscular dystrophy type 2O; Muscular dystrophy-dystroglycanopathy (congenital with impaired intellectual development), type B, 3. Last evaluated: 2022-08-22. Review status: criteria provided, single submitter. Criteria: Invitae Variant Classification Sherloc (09022015). Collection method: clinical testing. Allele origin: germline.
Comment: This sequence change affects codon 293 of the POMGNT1 mRNA. It is a 'silent' change, meaning that it does not change the encoded amino acid sequence of the POMGNT1 protein. It affects a nucleotide within the consensus splice site. This variant is present in population databases (rs776248221, gnomAD 0.02%). This variant has not been reported in the literature in individuals affected with POMGNT1-related conditions. ClinVar contains an entry for this variant (Variation ID: 1448410). Variants that disrupt the consensus splice site are a relatively common cause of aberrant splicing (PMID: 17576681, 9536098). Algorithms developed to predict the effect of sequence changes on RNA splicing suggest that this variant is not likely to affect RNA splicing. In summary, the available evidence is currently insufficient to determine the role of this variant in disease. Therefore, it has been classified as a Variant of Uncertain Significance.

PreventionGenetics, part of Exact Sciences
Classification: Likely benign for POMGNT1-related condition. Last evaluated: 2019-03-19. Review status: no assertion criteria provided. Collection method: clinical testing. Allele origin: germline. Not counted in ClinVar's aggregate classification.
Comment: This variant is classified as likely benign based on ACMG/AMP sequence variant interpretation guidelines (Richards et al. 2015 PMID: 25741868, with internal and published modifications).

Literature cited by the submitters: PubMed 17576681 (cited by Labcorp Genetics (formerly Invitae), Labcorp); PubMed 9536098 (cited by Labcorp Genetics (formerly Invitae), Labcorp).